The following is an entry in ClinVar:

NM_033641.4(COL4A6):c.1232A>G (p.Gln411Arg)

Gene: COL4A6 (collagen type IV alpha 6 chain; minus strand). Cytogenetic location: Xq22.3.
Variant type: single nucleotide variant.
Coding change: c.1232A>G on transcript NM_033641.4 (MANE Select); coding-DNA position 1232, A replaced by G.
Protein change: p.Gln411Arg; replaces glutamine 411 with arginine.
Molecular consequence: missense variant.
Genome position (GRCh38, 1-based): chrX:108,191,482, T>C on the plus strand (A>G on the coding strand, the complement: COL4A6 is on the minus strand). VCF-style: chrX-108191482-T-C. GRCh37 (hg19) VCF-style: chrX-107434712-T-C.
Other names: c.1235A>G (NM_001847.2); c.1232A>G, p.Gln411Arg (NM_001287758.2, NM_001287759.2, NM_001287760.2); c.1235A>G, p.Gln412Arg (NM_001847.4); short protein forms Q411R, Q412R.
Identifiers: ClinVar variation 1878249 (VCV001878249.2), dbSNP rs199498935, ClinGen allele CA10487880.

ClinVar aggregate classification (germline): Uncertain significance. Review status: criteria provided, multiple submitters, no conflicts (2 of 4 stars). 2 submissions from 2 submitters: Uncertain significance (2). Last evaluated 2025-07-02.

Allele frequency attached by ClinVar (database versions not stated): ExAC 0.00002; TOPMed 0.00002; gnomAD 0.00003; gnomAD exomes 0.00010.
gnomAD v4.1: 109 of 1,209,486 alleles (0.009%); highest among the groups gnomAD compares: Non-Finnish European, 0.011%; no homozygotes.

Submissions (2):

Ambry Genetics
Classification: Uncertain significance. Last evaluated: 2025-07-02. Review status: criteria provided, single submitter. Criteria: Ambry Variant Classification Scheme 2023. Collection method: clinical testing. Allele origin: germline.

Women's Health and Genetics/Laboratory Corporation of America, LabCorp
Classification: Uncertain significance. Last evaluated: 2022-12-08. Review status: criteria provided, single submitter. Criteria: LabCorp Variant Classification Summary - May 2015. Collection method: clinical testing. Allele origin: germline.
Comment: Variant summary: COL4A6 c.1235A>G (p.Gln412Arg) results in a conservative amino acid change in the encoded protein sequence. Four of four in-silico tools predict a benign effect of the variant on protein function. The variant allele was found at a frequency of 2.7e-05 in 182831 control chromosomes (gnomAD). The available data on variant occurrences in the general population are insufficient to allow any conclusion about variant significance. To our knowledge, no occurrence of c.1235A>G in individuals affected with Deafness, X-Linked 6 and no experimental evidence demonstrating its impact on protein function have been reported. No clinical diagnostic laboratories have submitted clinical-significance assessments for this variant to ClinVar after 2014. Based on the evidence outlined above, the variant was classified as uncertain significance.